The following is an entry in ClinVar:

ClinVar aggregate classification (germline): Uncertain significance (1 of 4 stars; one submission).

gnomAD v4.1: 56 of 1,611,538 alleles (0.0035%); highest among the groups gnomAD compares: East Asian, 0.011%; no homozygotes.

Submission:

Labcorp Genetics (formerly Invitae), Labcorp
Classification: Uncertain significance. Last evaluated: 2022-07-26. Review status: criteria provided, single submitter. Criteria: Invitae Variant Classification Sherloc (09022015). Collection method: clinical testing. Allele origin: germline.
Comment: This sequence change replaces arginine, which is basic and polar, with cysteine, which is neutral and slightly polar, at codon 237 of the HMOX1 protein (p.Arg237Cys). This variant is present in population databases (rs145427664, gnomAD 0.01%). This variant has not been reported in the literature in individuals affected with HMOX1-related conditions. ClinVar contains an entry for this variant (Variation ID: 1372666). Algorithms developed to predict the effect of missense changes on protein structure and function are either unavailable or do not agree on the potential impact of this missense change (SIFT: "Deleterious"; PolyPhen-2: "Possibly Damaging"; Align-GVGD: "Class C0"). In summary, the available evidence is currently insufficient to determine the role of this variant in disease. Therefore, it has been classified as a Variant of Uncertain Significance.

NM_002133.3(HMOX1):c.709C>T (p.Arg237Cys)

Gene: HMOX1 (heme oxygenase 1; plus strand). Cytogenetic location: 22q12.3.
Variant type: single nucleotide variant.
Coding change: c.709C>T on transcript NM_002133.3 (MANE Select); coding-DNA position 709, C replaced by T.
Protein change: p.Arg237Cys; replaces arginine 237 with cysteine.
Molecular consequence: missense variant.
Genome position (GRCh38, 1-based): chr22:35,389,936, C>T. VCF-style: chr22-35389936-C-T. GRCh37 (hg19) VCF-style: chr22-35785929-C-T.
Other names: short protein forms R237C.
Identifiers: ClinVar variation 1372666 (VCV001372666.3), dbSNP rs145427664, ClinGen allele CA10204799.